The following is an entry in ClinVar:

NM_197968.4(ZMYM2):c.3392G>A (p.Arg1131Gln)

Gene: ZMYM2 (zinc finger MYM-type containing 2; plus strand). Cytogenetic location: 13q12.11.
Variant type: single nucleotide variant.
Coding change: c.3392G>A on transcript NM_197968.4 (MANE Select); coding-DNA position 3392, G replaced by A.
Protein change: p.Arg1131Gln; replaces arginine 1131 with glutamine.
Molecular consequence: missense variant. On other transcripts: non-coding transcript variant (1).
Genome position (GRCh38, 1-based): chr13:20,067,329, G>A. VCF-style: chr13-20067329-G-A. GRCh37 (hg19) VCF-style: chr13-20641469-G-A.
Other names: c.3392G>A, p.Arg1131Gln (NM_001190964.4, NM_001190965.4, NM_001353157.2 and 5 more transcripts); c.3197G>A, p.Arg1066Gln (NM_001353161.3); c.3131G>A, p.Arg1044Gln (NM_001353163.2); c.3392G>A (NM_003453.3); short protein forms R1044Q, R1066Q, R1131Q.
Identifiers: ClinVar variation 4055934 (VCV004055934.2).

ClinVar aggregate classification (germline): Uncertain significance. Review status: criteria provided, multiple submitters, no conflicts (2 of 4 stars). 2 submissions from 2 submitters: Uncertain significance (2). Last evaluated 2025-08-19.

Conditions:
Inborn genetic diseases. Identifiers: MedGen C0950123, MeSH D030342.

gnomAD v4.1: 2 of 1,609,812 alleles (0.00012%); highest among the groups gnomAD compares: Non-Finnish European, 0.000085%; no homozygotes.

Submissions (2):

Ambry Genetics
Classification: Uncertain significance for Inborn genetic diseases. Last evaluated: 2025-08-19. Review status: criteria provided, single submitter. Criteria: Ambry Variant Classification Scheme 2023. Collection method: clinical testing. Allele origin: germline.

GeneDx
Classification: Uncertain significance. Last evaluated: 2025-01-02. Review status: criteria provided, single submitter. Criteria: GeneDx Variant Classification Process June 2021. Collection method: clinical testing. Allele origin: germline. Affected: yes.
Comment: Not observed at significant frequency in large population cohorts (gnomAD); In silico analysis indicates that this missense variant does not alter protein structure/function; Has not been previously published as pathogenic or benign to our knowledge